The following is an entry in ClinVar:

ClinVar aggregate classification (germline): Uncertain significance (1 of 4 stars; one submission).

Submission:

Labcorp Genetics (formerly Invitae), Labcorp
Classification: Uncertain significance. Last evaluated: 2023-10-10. Review status: criteria provided, single submitter. Criteria: Invitae Variant Classification Sherloc (09022015). Collection method: clinical testing. Allele origin: germline.
Comment: This sequence change affects an acceptor splice site in intron 7 of the SCN3A gene. It is expected to disrupt RNA splicing. Variants that disrupt the donor or acceptor splice site typically lead to a loss of protein function (PMID: 16199547), however the current clinical and genetic evidence is not sufficient to establish whether loss-of-function variants in SCN3A cause disease. This variant is not present in population databases (gnomAD no frequency). This variant has not been reported in the literature in individuals affected with SCN3A-related conditions. Algorithms developed to predict the effect of sequence changes on RNA splicing suggest that this variant may disrupt the consensus splice site. In summary, the available evidence is currently insufficient to determine the role of this variant in disease. Therefore, it has been classified as a Variant of Uncertain Significance.

Literature cited by the submitters: PubMed 16199547.

NM_006922.4(SCN3A):c.695-2A>C

Gene: SCN3A (sodium voltage-gated channel alpha subunit 3; minus strand). Cytogenetic location: 2q24.3.
Variant type: single nucleotide variant.
Coding change: c.695-2A>C on transcript NM_006922.4 (MANE Select); the canonical splice acceptor site of the intron before coding-DNA position 695, A replaced by C.
Molecular consequence: splice acceptor variant.
Genome position (GRCh38, 1-based): chr2:165,162,830, T>G on the plus strand (A>C on the coding strand, the complement: SCN3A is on the minus strand). VCF-style: chr2-165162830-T-G. GRCh37 (hg19) VCF-style: chr2-166019340-T-G.
Other names: c.695-2A>C (NM_001081676.2, NM_001081677.2).
Identifiers: ClinVar variation 2767433 (VCV002767433.3), dbSNP rs2468478896, ClinGen allele CA349239457.
Genomic context (GRCh38, chr2:165,162,830, plus strand): 5'-CATCACATCAGAAAGCTTCTTTACCGACTGGATCAGGGCCCCCACAATGGTCTTTAAACC[T>G]GCAGAGAGAGAACTATAGGTTACCTGAGGAAGAGTGCCAGAAATCATGATTTCTTAATAG-3'